The following is an entry in ClinVar:

NM_000428.3(LTBP2):c.2637C>G (p.His879Gln)

Gene: LTBP2 (latent transforming growth factor beta binding protein 2; minus strand). Cytogenetic location: 14q24.3.
Variant type: single nucleotide variant.
Coding change: c.2637C>G on transcript NM_000428.3 (MANE Select); coding-DNA position 2637, C replaced by G.
Protein change: p.His879Gln; replaces histidine 879 with glutamine.
Molecular consequence: missense variant.
Genome position (GRCh38, 1-based): chr14:74,522,812, G>C on the plus strand (C>G on the coding strand, the complement: LTBP2 is on the minus strand). VCF-style: chr14-74522812-G-C. GRCh37 (hg19) VCF-style: chr14-74989515-G-C.
Other names: short protein forms H879Q.
Identifiers: ClinVar variation 1978521 (VCV001978521.2), dbSNP rs1197744874, ClinGen allele CA390392205.

ClinVar aggregate classification (germline): Uncertain significance (1 of 4 stars; one submission).

Allele frequency attached by ClinVar (database versions not stated): gnomAD 0.00001; TOPMed 0.00001.
gnomAD v4.1: 11 of 1,611,332 alleles (0.00068%); highest among the groups gnomAD compares: Middle Eastern, 0.016%; no homozygotes.

Submission:

Labcorp Genetics (formerly Invitae), Labcorp
Classification: Uncertain significance. Last evaluated: 2022-03-12. Review status: criteria provided, single submitter. Criteria: Invitae Variant Classification Sherloc (09022015). Collection method: clinical testing. Allele origin: germline.
Comment: In summary, the available evidence is currently insufficient to determine the role of this variant in disease. Therefore, it has been classified as a Variant of Uncertain Significance. Algorithms developed to predict the effect of missense changes on protein structure and function are either unavailable or do not agree on the potential impact of this missense change (SIFT: "Deleterious"; PolyPhen-2: "Possibly Damaging"; Align-GVGD: "Class C15"). This variant has not been reported in the literature in individuals affected with LTBP2-related conditions. This variant is present in population databases (no rsID available, gnomAD 0.0009%). This sequence change replaces histidine, which is basic and polar, with glutamine, which is neutral and polar, at codon 879 of the LTBP2 protein (p.His879Gln).